The following is an entry in ClinVar:

ClinVar aggregate classification (germline): Uncertain significance (1 of 4 stars; one submission).

Conditions:
Fanconi anemia (FA). Also called: Fanconi's anemia. Identifiers: Orphanet 84, MedGen C0015625, MeSH D005199, MONDO:0019391.

Submission:

Labcorp Genetics (formerly Invitae), Labcorp
Classification: Uncertain significance for Fanconi anemia. Last evaluated: 2024-05-15. Review status: criteria provided, single submitter. Criteria: Invitae Variant Classification Sherloc (09022015). Collection method: clinical testing. Allele origin: germline.
Comment: This sequence change replaces serine, which is neutral and polar, with cysteine, which is neutral and slightly polar, at codon 176 of the FANCL protein (p.Ser176Cys). This variant is not present in population databases (gnomAD no frequency). This variant has not been reported in the literature in individuals affected with FANCL-related conditions. Advanced modeling of protein sequence and biophysical properties (such as structural, functional, and spatial information, amino acid conservation, physicochemical variation, residue mobility, and thermodynamic stability) performed at Invitae indicates that this missense variant is expected to disrupt FANCL protein function with a positive predictive value of 80%. In summary, the available evidence is currently insufficient to determine the role of this variant in disease. Therefore, it has been classified as a Variant of Uncertain Significance.

NM_018062.4(FANCL):c.527C>G (p.Ser176Cys)

Gene: FANCL (FA complementation group L; minus strand). Cytogenetic location: 2p16.1.
Variant type: single nucleotide variant.
Coding change: c.527C>G on transcript NM_018062.4 (MANE Select); coding-DNA position 527, C replaced by G.
Protein change: p.Ser176Cys; replaces serine 176 with cysteine.
Molecular consequence: missense variant. On other transcripts: non-coding transcript variant (2).
Genome position (GRCh38, 1-based): chr2:58,198,607, G>C on the plus strand (C>G on the coding strand, the complement: FANCL is on the minus strand). VCF-style: chr2-58198607-G-C. GRCh37 (hg19) VCF-style: chr2-58425742-G-C.
Other names: c.527C>G, p.Ser176Cys (NM_001114636.2, NM_001374615.1, NM_001410792.1); short protein forms S176C.
Identifiers: ClinVar variation 3714092 (VCV003714092.2).